The following is an entry in ClinVar:

NM_006912.6(RIT1):c.502C>T (p.Arg168Cys)

Gene: RIT1 (Ras like without CAAX 1; minus strand). Cytogenetic location: 1q22.
Variant type: single nucleotide variant.
Coding change: c.502C>T on transcript NM_006912.6 (MANE Select); coding-DNA position 502, C replaced by T.
Protein change: p.Arg168Cys; replaces arginine 168 with cysteine.
Molecular consequence: missense variant.
Genome position (GRCh38, 1-based): chr1:155,900,546, G>A on the plus strand (C>T on the coding strand, the complement: RIT1 is on the minus strand). VCF-style: chr1-155900546-G-A. GRCh37 (hg19) VCF-style: chr1-155870337-G-A.
Other names: c.394C>T, p.Arg132Cys (NM_001256820.2); c.553C>T, p.Arg185Cys (NM_001256821.2); short protein forms R168C, R132C, R185C.
Identifiers: ClinVar variation 4991180 (VCV004991180.1).

ClinVar aggregate classification (germline): Uncertain significance (1 of 4 stars; one submission).

Conditions:
RIT1-related disorder. Also called: RIT1-related condition.

gnomAD v4.1: 2 of 1,614,084 alleles (0.00012%); highest among the groups gnomAD compares: South Asian, 0.0011%; no homozygotes.

Submission:

PreventionGenetics, part of Exact Sciences
Classification: Uncertain significance for RIT1-related condition. Last evaluated: 2026-08-22. Review status: criteria provided, single submitter. Criteria: ACMG Guidelines, 2015. Collection method: clinical testing. Allele origin: germline.
Comment: The RIT1 c.553C>T variant is predicted to result in the amino acid substitution p.Arg185Cys. To our knowledge, this variant has not been reported in the literature or in a large population database (gnomAD), indicating this variant is rare. At this time, the clinical significance of this variant is uncertain due to the absence of conclusive functional and genetic evidence.